The following is an entry in ClinVar:

ClinVar aggregate classification (germline): Uncertain significance (1 of 4 stars; one submission).

Allele frequency attached by ClinVar (database versions not stated): gnomAD exomes below 0.00001.

Submission:

Labcorp Genetics (formerly Invitae), Labcorp
Classification: Uncertain significance. Last evaluated: 2023-04-18. Review status: criteria provided, single submitter. Criteria: Invitae Variant Classification Sherloc (09022015). Collection method: clinical testing. Allele origin: germline.
Comment: This sequence change affects codon 407 of the HYOU1 mRNA. It is a 'silent' change, meaning that it does not change the encoded amino acid sequence of the HYOU1 protein. This variant is present in population databases (rs782555699, gnomAD 0.0009%). This variant has not been reported in the literature in individuals affected with HYOU1-related conditions. ClinVar contains an entry for this variant (Variation ID: 2107851). In summary, the available evidence is currently insufficient to determine the role of this variant in disease. Therefore, it has been classified as a Variant of Uncertain Significance.

NM_006389.5(HYOU1):c.1221G>A (p.Lys407=)

Genes: HYOU1 (hypoxia up-regulated 1; minus strand), LOC130006884 (ATAC-STARR-seq lymphoblastoid active region 5617; plus strand). Cytogenetic location: 11q23.3.
Variant type: single nucleotide variant.
Coding change: c.1221G>A on transcript NM_006389.5 (MANE Select); coding-DNA position 1221, G replaced by A.
Protein change: p.Lys407=; no amino-acid change (lysine 407 retained).
Molecular consequence: synonymous variant.
Genome position (GRCh38, 1-based): chr11:119,051,936, C>T on the plus strand (G>A on the coding strand, the complement: HYOU1 is on the minus strand). VCF-style: chr11-119051936-C-T. GRCh37 (hg19) VCF-style: chr11-118922648-C-T.
Other names: c.1221G>A, p.Lys407= (NM_001130991.3, NM_001411041.1).
Identifiers: ClinVar variation 2107851 (VCV002107851.4), dbSNP rs782555699, ClinGen allele CA229622562.
Genomic context (GRCh38, chr11:119,051,936, plus strand): 5'-GCTGAGCGCAGCTGCCTGGTACACTGCCCCCATGGCGGCTGCTTCATCTGCATTGATGTT[C>T]TTCCCCAGCTCCTCCCTGGGAAAGCCCCAAGCCTCAGCACGGTCTACCCTGGAGCATGCA-3'
Protein context (NP_006380.1, residues 397-417): LKAVGKEELG[Lys407=]NINADEAAAM